The following is an entry in ClinVar:

NM_207352.4(CYP4V2):c.1229G>T (p.Gly410Val)

Gene: CYP4V2 (cytochrome P450 family 4 subfamily V member 2; plus strand). Cytogenetic location: 4q35.2.
Variant type: single nucleotide variant.
Coding change: c.1229G>T on transcript NM_207352.4 (MANE Select); coding-DNA position 1229, G replaced by T.
Protein change: p.Gly410Val; replaces glycine 410 with valine.
Molecular consequence: missense variant.
Genome position (GRCh38, 1-based): chr4:186,209,096, G>T. VCF-style: chr4-186209096-G-T. GRCh37 (hg19) VCF-style: chr4-187130250-G-T.
Other names: short protein forms G410V.
Identifiers: ClinVar variation 1046574 (VCV001046574.37), dbSNP rs566680277, ClinGen allele CA3162805.

ClinVar aggregate classification (germline): Uncertain significance. Review status: criteria provided, multiple submitters, no conflicts (2 of 4 stars). 5 submissions from 5 submitters: Uncertain significance (4). 1 of the submissions does not count toward it. Last evaluated 2023-10-01.

Conditions:
Retinal dystrophy. Also called: Inherited retinal dystrophy. Identifiers: Orphanet 71862, MedGen C0854723, MeSH D058499, MONDO:0019118, HP:0000556.

Allele frequency attached by ClinVar (database versions not stated): gnomAD exomes 0.00003; TOPMed 0.00003; ExAC 0.00004.
gnomAD v4.1: 37 of 1,614,082 alleles (0.0023%); highest among the groups gnomAD compares: East Asian, 0.08%; no homozygotes.

Submissions (5):

Dept Of Ophthalmology, Nagoya University
Classification: Uncertain significance for Retinal dystrophy. Last evaluated: 2023-10-01. Review status: criteria provided, single submitter. Criteria: Submitter's publication. Collection method: research. Allele origin: germline. Affected: yes.

Labcorp Genetics (formerly Invitae), Labcorp
Classification: Uncertain significance. Last evaluated: 2023-07-10. Review status: criteria provided, single submitter. Criteria: Invitae Variant Classification Sherloc (09022015). Collection method: clinical testing. Allele origin: germline.
Comment: ClinVar contains an entry for this variant (Variation ID: 1046574). This sequence change replaces glycine, which is neutral and non-polar, with valine, which is neutral and non-polar, at codon 410 of the CYP4V2 protein (p.Gly410Val). This variant is present in population databases (rs566680277, gnomAD 0.05%). This variant has not been reported in the literature in individuals affected with CYP4V2-related conditions. Advanced modeling of protein sequence and biophysical properties (such as structural, functional, and spatial information, amino acid conservation, physicochemical variation, residue mobility, and thermodynamic stability) has been performed at Invitae for this missense variant, however the output from this modeling did not meet the statistical confidence thresholds required to predict the impact of this variant on CYP4V2 protein function. In summary, the available evidence is currently insufficient to determine the role of this variant in disease. Therefore, it has been classified as a Variant of Uncertain Significance.

CeGaT Center for Human Genetics Tuebingen
Classification: Uncertain significance. Last evaluated: 2023-03-01. Review status: criteria provided, single submitter. Criteria: CeGaT Center For Human Genetics Tuebingen Variant Classification Criteria Version 2. Collection method: clinical testing. Allele origin: germline. Affected: yes. Observed: 1 variant allele.
Comment: CYP4V2: PM2

Blueprint Genetics
Classification: Uncertain significance. Last evaluated: 2019-07-18. Review status: criteria provided, single submitter. Criteria: ACMG Guidelines, 2015. Collection method: clinical testing. Allele origin: germline.

Institute of Human Genetics, Univ. Regensburg, Univ. Regensburg
Classification: Uncertain significance for Retinal dystrophy. Last evaluated: 2018-01-01. Review status: no assertion criteria provided. Criteria: ACMG Guidelines, 2015. Collection method: clinical testing. Allele origin: germline. Affected: yes. Not counted in ClinVar's aggregate classification.